The following is an entry in ClinVar:

NM_002582.4(PARN):c.1114G>A (p.Ala372Thr)

Gene: PARN (poly(A)-specific ribonuclease; minus strand). Cytogenetic location: 16p13.12.
Variant type: single nucleotide variant.
Coding change: c.1114G>A on transcript NM_002582.4 (MANE Select); coding-DNA position 1114, G replaced by A.
Protein change: p.Ala372Thr; replaces alanine 372 with threonine.
Molecular consequence: missense variant.
Genome position (GRCh38, 1-based): chr16:14,582,259, C>T on the plus strand (G>A on the coding strand, the complement: PARN is on the minus strand). VCF-style: chr16-14582259-C-T. GRCh37 (hg19) VCF-style: chr16-14676116-C-T.
Other names: c.931G>A, p.Ala311Thr (NM_001134477.3); c.976G>A, p.Ala326Thr (NM_001242992.2); short protein forms A311T, A326T, A372T.
Identifiers: ClinVar variation 4792810 (VCV004792810.1).

ClinVar aggregate classification (germline): Uncertain significance (1 of 4 stars; one submission).

Conditions:
Pulmonary fibrosis and/or bone marrow failure, Telomere-related, 4. Also called: PULMONARY FIBROSIS AND/OR BONE MARROW FAILURE SYNDROME, TELOMERE-RELATED, 4. Identifiers: Orphanet 2032, MedGen C4225347, MONDO:0014612, OMIM 616371.
Dyskeratosis congenita, autosomal recessive 6 (DKCB6). Identifiers: MedGen C4225356, MONDO:0014600, OMIM 616353.

gnomAD v4.1: 2 of 1,613,686 alleles (0.00012%); highest among the groups gnomAD compares: South Asian, 0.0011%; no homozygotes.

Submission:

Labcorp Genetics (formerly Invitae), Labcorp
Classification: Uncertain significance for Dyskeratosis congenita, autosomal recessive 6; Pulmonary fibrosis and/or bone marrow failure, Telomere-related, 4. Last evaluated: 2025-08-29. Review status: criteria provided, single submitter. Criteria: Invitae Variant Classification Sherloc (09022015). Collection method: clinical testing. Allele origin: germline.
Comment: This sequence change replaces alanine, which is neutral and non-polar, with threonine, which is neutral and polar, at codon 372 of the PARN protein (p.Ala372Thr). This variant is present in population databases (no rsID available, gnomAD 0.003%). This variant has not been reported in the literature in individuals affected with PARN-related conditions. Invitae Evidence Modeling of protein sequence and biophysical properties (such as structural, functional, and spatial information, amino acid conservation, physicochemical variation, residue mobility, and thermodynamic stability) indicates that this missense variant is not expected to disrupt PARN protein function with a negative predictive value of 80%. In summary, the available evidence is currently insufficient to determine the role of this variant in disease. Therefore, it has been classified as a Variant of Uncertain Significance.